The following is an entry in ClinVar:

NM_001128225.3(SLC39A13):c.*14C>T

Gene: SLC39A13 (solute carrier family 39 member 13; plus strand). Cytogenetic location: 11p11.2.
Variant type: single nucleotide variant.
Coding change: c.*14C>T on transcript NM_001128225.3 (MANE Select); 14 bases downstream of the stop codon, C replaced by T.
Molecular consequence: 3 prime UTR variant. On other transcripts: non-coding transcript variant (1).
Genome position (GRCh38, 1-based): chr11:47,415,377, C>T. VCF-style: chr11-47415377-C-T. GRCh37 (hg19) VCF-style: chr11-47436928-C-T.
Other names: c.*127C>T (NM_001330245.2, NM_001441275.1, NM_001441276.1); c.*14C>T (NM_001441271.1, NM_001441272.1, NM_001441273.1 and 2 more transcripts).
Identifiers: ClinVar variation 4848765 (VCV004848765.1).

ClinVar aggregate classification (germline): Uncertain significance (1 of 4 stars; one submission).

Submission:

Women's Health and Genetics/Laboratory Corporation of America, LabCorp
Classification: Uncertain significance. Last evaluated: 2026-04-07. Review status: criteria provided, single submitter. Criteria: LabCorp Variant Classification Summary - May 2015. Collection method: clinical testing. Allele origin: germline.
Comment: Variant summary: SLC39A13 c.*14C>T is located in the untranslated mRNA region downstream of the termination codon. The variant allele was found at a frequency of 9.2e-05 in 251192 control chromosomes. This frequency is not significantly higher than estimated for disease-causing variants in SLC39A13, allowing no conclusion about variant significance. To our knowledge, no occurrence of c.*14C>T in individuals affected with SLC39A13-related conditions and no experimental evidence demonstrating its impact on protein function have been reported. No submitters have cited clinical-significance assessments for this variant to ClinVar. Based on the evidence outlined above, the variant was classified as uncertain significance.